The following is an entry in ClinVar:

ClinVar aggregate classification (germline): Uncertain significance. Review status: criteria provided, multiple submitters, no conflicts (2 of 4 stars). 2 submissions from 2 submitters: Uncertain significance (2). Last evaluated 2025-08-28.

Conditions:
Early-infantile DEE. Also called: Ohtahara syndrome; Early infantile epileptic encephalopathy; Early infantile epileptic encephalopathy with suppression bursts. Identifiers: Orphanet 1934, MedGen C0393706, MONDO:0800491.
Developmental delay with or without epilepsy (DEVEP). Identifiers: MedGen C5882702, MONDO:0957815, OMIM 620540.

Submissions (2):

Victorian Clinical Genetics Services, Murdoch Childrens Research Institute
Classification: Uncertain significance for Developmental delay with or without epilepsy. Last evaluated: 2025-08-28. Review status: criteria provided, single submitter. Criteria: ACMG Guidelines, 2015. Collection method: clinical testing. Allele origin: germline. Affected: yes.
Comment: This variant is classified as VUS-3A. Evidence in support of pathogenic classification: Variant is absent from gnomAD (v2, v3 and v4); Additional information: Variant is predicted to result in a missense amino acid change from Pro to Leu; This variant is heterozygous; This gene is associated with autosomal dominant disease; Alternative amino acid change(s) at the same position are present in gnomAD (Highest allele count: v4: 1 heterozygote(s), 0 homozygote(s)); Previous evidence of pathogenicity for this variant is inconclusive. This variant has been classified as a VUS by a clinical laboratory in ClinVar; No published evidence of segregation with disease has been identified for this variant; No published functional evidence has been identified for this variant; Another missense variant(s) comparable to the one identified in this case has inconclusive previous evidence for pathogenicity. p.(Pro2427Ser) has been classified as a VUS by a clinical laboratory in ClinVar; Variant is located in the annotated Ca2+ insensitive EF hand (DECIPHER); Missense variant with inconclusive in silico prediction and uninformative conservation; Dominant negative and loss of function are known mechanisms of disease in this gene and are associated with developmental and epileptic encephalopathy 5 (MIM#613477), developmental delay with or without epilepsy (MIM#620540), neuronopathy, distal hereditary motor, autosomal dominant 11 (MIM# 620528), and spastic paraplegia 91, autosomal dominant, with or without cerebellar ataxia (MIM#620538); Variants in this gene are known to have variable expressivity. Intrafamilial variability has been described (PMID: 32811770, 31332438).

Labcorp Genetics (formerly Invitae), Labcorp
Classification: Uncertain significance for Early-infantile DEE. Last evaluated: 2021-01-08. Review status: criteria provided, single submitter. Criteria: Invitae Variant Classification Sherloc (09022015). Collection method: clinical testing. Allele origin: germline.
Comment: In summary, the available evidence is currently insufficient to determine the role of this variant in disease. Therefore, it has been classified as a Variant of Uncertain Significance. Algorithms developed to predict the effect of missense changes on protein structure and function are either unavailable or do not agree on the potential impact of this missense change (SIFT: "Deleterious"; PolyPhen-2: "Benign"; Align-GVGD: "Class C65"). This variant has not been reported in the literature in individuals with SPTAN1-related conditions. This variant is not present in population databases (ExAC no frequency). This sequence change replaces proline with leucine at codon 2427 of the SPTAN1 protein (p.Pro2427Leu). The proline residue is highly conserved and there is a moderate physicochemical difference between proline and leucine.

Literature cited by the submitters: PubMed 32811770 (cited by Victorian Clinical Genetics Services, Murdoch Childrens Research Institute); PubMed 31332438 (cited by Victorian Clinical Genetics Services, Murdoch Childrens Research Institute).

NM_001130438.3(SPTAN1):c.7280C>T (p.Pro2427Leu)

Gene: SPTAN1 (spectrin alpha, non-erythrocytic 1; plus strand). Cytogenetic location: 9q34.11.
Variant type: single nucleotide variant.
Coding change: c.7280C>T on transcript NM_001130438.3 (MANE Select); coding-DNA position 7280, C replaced by T.
Protein change: p.Pro2427Leu; replaces proline 2427 with leucine.
Molecular consequence: missense variant.
Genome position (GRCh38, 1-based): chr9:128,632,927, C>T. VCF-style: chr9-128632927-C-T. GRCh37 (hg19) VCF-style: chr9-131395206-C-T.
Other names: c.7205C>T, p.Pro2402Leu (NM_001195532.2); c.7343C>T, p.Pro2448Leu (NM_001363759.2); c.7220C>T, p.Pro2407Leu (NM_001363765.2, NM_001375314.2); c.7367C>T, p.Pro2456Leu (NM_001375310.1); c.7280C>T, p.Pro2427Leu (NM_001375311.2); c.7316C>T, p.Pro2439Leu (NM_001375312.2); c.7262C>T, p.Pro2421Leu (NM_001375313.1); c.7379C>T, p.Pro2460Leu (NM_001375318.1); and 1 more; short protein forms P2439L, P2402L, P2421L, P2427L, P2407L, P2422L, P2456L, P2460L.
Identifiers: ClinVar variation 1489447 (VCV001489447.11), dbSNP rs1860019438, ClinGen allele CA375102803.